The following is an entry in ClinVar:

ClinVar aggregate classification (germline): Likely benign (1 of 4 stars; one submission).

Conditions:
LMBRD2-related disorder.

gnomAD v4.1: 24 of 1,555,220 alleles (0.0015%); highest among the groups gnomAD compares: African/African-American, 0.028%; no homozygotes.

Submission:

PreventionGenetics, part of Exact Sciences
Classification: Likely benign for LMBRD2-related condition. Last evaluated: 2026-01-22. Review status: criteria provided, single submitter. Criteria: ACMG Guidelines, 2015. Collection method: clinical testing. Allele origin: germline.
Comment: This variant is classified as likely benign based on ACMG/AMP sequence variant interpretation guidelines (Richards et al. 2015 PMID: 25741868, with internal and published modifications).

NM_001007527.2(LMBRD2):c.1640+9C>G

Gene: LMBRD2 (LMBR1 domain containing 2; minus strand). Cytogenetic location: 5p13.2.
Variant type: single nucleotide variant.
Coding change: c.1640+9C>G on transcript NM_001007527.2 (MANE Select); 9 bases into the intron after coding-DNA position 1640, C replaced by G.
Molecular consequence: intron variant.
Genome position (GRCh38, 1-based): chr5:36,114,415, G>C on the plus strand (C>G on the coding strand, the complement: LMBRD2 is on the minus strand). VCF-style: chr5-36114415-G-C. GRCh37 (hg19) VCF-style: chr5-36114517-G-C.
Identifiers: ClinVar variation 4989316 (VCV004989316.1).